The following is an entry in ClinVar:

ClinVar aggregate classification (germline): Pathogenic (1 of 4 stars; one submission).

Conditions:
Fanconi anemia (FA). Also called: Fanconi's anemia. Identifiers: Orphanet 84, MedGen C0015625, MeSH D005199, MONDO:0019391.

Submission:

Labcorp Genetics (formerly Invitae), Labcorp
Classification: Pathogenic for Fanconi anemia. Last evaluated: 2022-08-09. Review status: criteria provided, single submitter. Criteria: Invitae Variant Classification Sherloc (09022015). Collection method: clinical testing. Allele origin: germline.
Comment: This sequence change creates a premature translational stop signal (p.Gly992Argfs*8) in the SLX4 gene. It is expected to result in an absent or disrupted protein product. Loss-of-function variants in SLX4 are known to be pathogenic (PMID: 21240277). For these reasons, this variant has been classified as Pathogenic. ClinVar contains an entry for this variant (Variation ID: 1456873). This variant has not been reported in the literature in individuals affected with SLX4-related conditions. This variant is not present in population databases (gnomAD no frequency).

Literature cited by the submitters: PubMed 21240277.

NM_032444.4(SLX4):c.2974_2977del (p.Gly992fs)

Gene: SLX4 (SLX4 structure-specific endonuclease subunit; minus strand). Cytogenetic location: 16p13.3.
Variant type: Deletion.
Coding change: c.2974_2977del on transcript NM_032444.4 (MANE Select); coding-DNA positions 2974 to 2977, 4 bases deleted (GGAG; older notation c.2974_2977delGGAG).
Protein change: p.Gly992fs; shifts the reading frame from glycine 992.
Molecular consequence: frameshift variant.
Genome position (GRCh38, 1-based): chr16:3,590,661-3,590,664, CTCC deleted on the plus strand (GGAG on the coding strand, the reverse complement: SLX4 is on the minus strand); deleting any 4 consecutive bases within chr16:3,590,661-3,590,666 gives the same sequence; the c. name uses the placement nearest the transcript's 3' end. VCF-style (leftmost placement, unchanged base first): chr16-3590660-TCTCC-T. GRCh37 (hg19) VCF-style: chr16-3640661-TCTCC-T.
Other names: short protein forms G992fs.
Identifiers: ClinVar variation 1456873 (VCV001456873.6), dbSNP rs2151124655, ClinGen allele CA2573152109.